The following is an entry in ClinVar:

NM_000381.4(MID1):c.922C>T (p.Arg308Trp)

Gene: MID1 (midline 1; minus strand). Cytogenetic location: Xp22.2.
Variant type: single nucleotide variant.
Coding change: c.922C>T on transcript NM_000381.4 (MANE Select); coding-DNA position 922, C replaced by T.
Protein change: p.Arg308Trp; replaces arginine 308 with tryptophan.
Molecular consequence: missense variant.
Genome position (GRCh38, 1-based): chrX:10,482,571, G>A on the plus strand (C>T on the coding strand, the complement: MID1 is on the minus strand). VCF-style: chrX-10482571-G-A. GRCh37 (hg19) VCF-style: chrX-10450611-G-A.
Other names: c.922C>T, p.Arg308Trp (NM_001098624.2, NM_001193277.1, NM_001193279.1 and 2 more transcripts); c.1075C>T, p.Arg359Trp (NM_001193278.1); c.808C>T, p.Arg270Trp (NM_001193280.1, NM_033289.2); c.922C>T (NM_000381.3); short protein forms R359W, R270W, R308W.
Identifiers: ClinVar variation 2907829 (VCV002907829.2), dbSNP rs149787593, ClinGen allele CA10347606.

ClinVar aggregate classification (germline): Uncertain significance. Review status: criteria provided, multiple submitters, no conflicts (2 of 4 stars). 2 submissions from 2 submitters: Uncertain significance (2). Last evaluated 2026-03-12.

Conditions:
MID1-related disorder. Also called: MID1-related condition.

Allele frequency attached by ClinVar (database versions not stated): gnomAD exomes 0.00001; ExAC 0.00002; gnomAD 0.00003; ESP Exome Variant Server 0.00009; TOPMed 0.00009.
gnomAD v4.1: 16 of 1,207,699 alleles (0.0013%); highest among the groups gnomAD compares: African/African-American, 0.026%; no homozygotes.

Submissions (2):

PreventionGenetics, part of Exact Sciences
Classification: Uncertain significance for MID1-related condition. Last evaluated: 2026-03-12. Review status: criteria provided, single submitter. Criteria: ACMG Guidelines, 2015. Collection method: clinical testing. Allele origin: germline.
Comment: The MID1 c.922C>T variant is predicted to result in the amino acid substitution p.Arg308Trp. To our knowledge, this variant has not been reported in the literature. This variant is reported in 0.021% of alleles in individuals of African descent in gnomAD, including in 2 hemizygotes, which may be too common to be causative. Although we suspect that this variant may be benign, at this time, the clinical significance of this variant is uncertain due to the absence of conclusive functional and genetic evidence.

Labcorp Genetics (formerly Invitae), Labcorp
Classification: Uncertain significance. Last evaluated: 2024-01-16. Review status: criteria provided, single submitter. Criteria: Invitae Variant Classification Sherloc (09022015). Collection method: clinical testing. Allele origin: germline.
Comment: This sequence change replaces arginine, which is basic and polar, with tryptophan, which is neutral and slightly polar, at codon 308 of the MID1 protein (p.Arg308Trp). The frequency data for this variant in the population databases is considered unreliable, as metrics indicate poor data quality at this position in the gnomAD database. This variant has not been reported in the literature in individuals affected with MID1-related conditions. Advanced modeling of protein sequence and biophysical properties (such as structural, functional, and spatial information, amino acid conservation, physicochemical variation, residue mobility, and thermodynamic stability) performed at Invitae indicates that this missense variant is not expected to disrupt MID1 protein function with a negative predictive value of 80%. In summary, the available evidence is currently insufficient to determine the role of this variant in disease. Therefore, it has been classified as a Variant of Uncertain Significance.